The following is an entry in ClinVar:

NM_001377.3(DYNC2H1):c.6649C>T (p.Arg2217Ter)

Gene: DYNC2H1 (dynein cytoplasmic 2 heavy chain 1; plus strand). Cytogenetic location: 11q22.3.
Variant type: single nucleotide variant.
Coding change: c.6649C>T on transcript NM_001377.3 (MANE Select); coding-DNA position 6649, C replaced by T.
Protein change: p.Arg2217Ter; replaces arginine 2217 with a stop codon.
Molecular consequence: nonsense.
Genome position (GRCh38, 1-based): chr11:103,186,257, C>T. VCF-style: chr11-103186257-C-T. GRCh37 (hg19) VCF-style: chr11-103056986-C-T.
Other names: c.6649C>T, p.Arg2217Ter (NM_001080463.2); short protein forms R2217*.
Identifiers: ClinVar variation 3020826 (VCV003020826.5), dbSNP rs756087785, ClinGen allele CA6254034.

ClinVar aggregate classification (germline): Pathogenic/Likely pathogenic. Review status: criteria provided, multiple submitters, no conflicts (2 of 4 stars). 3 submissions from 3 submitters: Pathogenic (2); Likely pathogenic (1). Last evaluated 2025-12-22.

Conditions:
Jeune thoracic dystrophy. Also called: Short-rib thoracic dysplasia; Jeune syndrome; Infantile thoracic dystrophy; Thoracic pelvic phalangeal dystrophy; Jeune's syndrome; Chondroectodermal dysplasia-like syndrome. Identifiers: Orphanet 474, MedGen C0265275, MONDO:0018770.
Asphyxiating thoracic dystrophy 3. Also called: POLYDACTYLY WITH NEONATAL CHONDRODYSTROPHY, TYPE I; SHORT-RIB THORACIC DYSPLASIA 3/6 WITH POLYDACTYLY, DIGENIC; Short rib polydactyly syndrome 2B; SHORT-RIB THORACIC DYSPLASIA 3 WITH OR WITHOUT POLYDACTYLY; Saldino-Noonan Syndrome. Identifiers: Orphanet 474, Orphanet 93269, Orphanet 93270, Orphanet 93271, MedGen C0036069, MONDO:0013127, OMIM 613091.

Allele frequency attached by ClinVar (database versions not stated): TOPMed below 0.00001; ExAC 0.00002.
gnomAD v4.1: 4 of 1,610,542 alleles (0.00025%); highest among the groups gnomAD compares: South Asian, 0.0011%; no homozygotes.

Submissions (3):

Labcorp Genetics (formerly Invitae), Labcorp
Classification: Pathogenic for Jeune thoracic dystrophy. Last evaluated: 2025-12-22. Review status: criteria provided, single submitter. Criteria: Invitae Variant Classification Sherloc (09022015). Collection method: clinical testing. Allele origin: germline.
Comment: This sequence change creates a premature translational stop signal (p.Arg2217*) in the DYNC2H1 gene. It is expected to result in an absent or disrupted protein product. Loss-of-function variants in DYNC2H1 are known to be pathogenic (PMID: 23339108, 32753734, 33755199). This variant is present in population databases (rs756087785, gnomAD 0.003%). This variant has not been reported in the literature in individuals affected with DYNC2H1-related conditions. ClinVar contains an entry for this variant (Variation ID: 3020826). For these reasons, this variant has been classified as Pathogenic.

First Genomix Gene Laboratory, Genetic Diagnostics Department
Classification: Likely pathogenic for Asphyxiating thoracic dystrophy 3. Last evaluated: 2025-09-17. Review status: criteria provided, single submitter. Criteria: ACMG Guidelines, 2015. Collection method: clinical testing. Allele origin: germline. Inheritance: Autosomal recessive inheritance. Affected: no. Observed: 1 variant allele.

Myriad Genetics, Inc.
Classification: Pathogenic for Asphyxiating thoracic dystrophy 3. Last evaluated: 2024-09-03. Review status: criteria provided, single submitter. Criteria: Myriad Autosomal Dominant, Autosomal Recessive and X-Linked Classification Criteria (2023). Collection method: clinical testing. Allele origin: unknown.
Comment: NM_001377.2(DYNC2H1):c.6649C>T(R2217*) is expected to be pathogenic in the context of DYNC2H1-related disorders. This variant is predicted to lead to an abnormal or absent protein product due to the creation of a premature termination codon in DYNC2H1, a gene where loss-of-function variants are known to be pathogenic. Please note: this variant was assessed in the context of healthy population screening.

Literature cited by the submitters: PubMed 23339108 (cited by Labcorp Genetics (formerly Invitae), Labcorp); PubMed 32753734 (cited by Labcorp Genetics (formerly Invitae), Labcorp); PubMed 33755199 (cited by Labcorp Genetics (formerly Invitae), Labcorp).